The following is an entry in ClinVar:

NM_000548.5(TSC2):c.3132-11C>T

Gene: TSC2 (TSC complex subunit 2; plus strand). Cytogenetic location: 16p13.3.
Variant type: single nucleotide variant.
Coding change: c.3132-11C>T on transcript NM_000548.5 (MANE Select); 11 bases into the intron before coding-DNA position 3132, C replaced by T.
Molecular consequence: intron variant.
Genome position (GRCh38, 1-based): chr16:2,079,265, C>T. VCF-style: chr16-2079265-C-T. GRCh37 (hg19) VCF-style: chr16-2129266-C-T.
Other names: c.3132-11C>T (NM_001114382.3); c.3003-11C>T (NM_021055.3, NM_001370405.1, NM_001363528.2); c.3000-11C>T (NM_001370404.1, NM_001077183.3); c.2892-11C>T (NM_001318827.2); c.2400-11C>T (NM_001318831.2); c.2856-11C>T (NM_001318829.2); c.3033-11C>T (NM_001318832.2).
Identifiers: ClinVar variation 1607097 (VCV001607097.10), dbSNP rs2089819486, ClinGen allele CA973769401.

ClinVar aggregate classification (germline): Likely benign. Review status: criteria provided, multiple submitters, no conflicts (2 of 4 stars). 3 submissions from 3 submitters: Likely benign (3). Last evaluated 2025-05-28.

Conditions:
Tuberous sclerosis 2 (TSC2). Identifiers: Orphanet 805, MedGen C1860707, MONDO:0013199, OMIM 613254.
Tuberous sclerosis syndrome (TSC). Also called: Tuberous Sclerosis Complex; Tuberous sclerosis. Identifiers: Orphanet 805, MedGen C0041341, MONDO:0001734.

Allele frequency attached by ClinVar (database versions not stated): TOPMed below 0.00001; gnomAD 0.00001.
gnomAD v4.1: 2 of 1,612,910 alleles (0.00012%); highest among the groups gnomAD compares: Non-Finnish European, 0.00017%; no homozygotes.

Submissions (3):

Myriad Genetics, Inc.
Classification: Likely benign for Tuberous sclerosis 2. Last evaluated: 2025-05-28. Review status: criteria provided, single submitter. Criteria: Myriad Autosomal Dominant, Autosomal Recessive and X-Linked Classification Criteria (2023). Collection method: clinical testing. Allele origin: unknown.
Comment: This variant is considered likely benign. This variant is intronic and is not expected to impact mRNA splicing.

Labcorp Genetics (formerly Invitae), Labcorp
Classification: Likely benign for Tuberous sclerosis 2. Last evaluated: 2025-05-22. Review status: criteria provided, single submitter. Criteria: Invitae Variant Classification Sherloc (09022015). Collection method: clinical testing. Allele origin: germline.

All of Us Research Program, National Institutes of Health
Classification: Likely benign for Tuberous sclerosis syndrome. Last evaluated: 2023-08-15. Review status: criteria provided, single submitter. Criteria: ACMG Guidelines, 2015. Collection method: clinical testing. Allele origin: germline. Inheritance: Autosomal dominant inheritance. Observed: 1 variant allele, 1 heterozygote.
Comment: This study involves interpretation of variants in research participants for the purpose of population health screening. Participant phenotype was not available at the time of variant classification. Additional details can be found in publication PMID: 35346344, PMCID: PMC8962531